The following is an entry in ClinVar:

NM_001385125.1(OPN1SW):c.973G>A (p.Asp325Asn)

Genes: CALU (calumenin; plus strand), OPN1SW (opsin 1, short wave sensitive; minus strand). Cytogenetic location: 7q32.1.
Variant type: single nucleotide variant.
Coding change: c.973G>A on transcript NM_001385125.1 (MANE Select); coding-DNA position 973, G replaced by A.
Protein change: p.Asp325Asn; replaces aspartic acid 325 with asparagine.
Molecular consequence: missense variant. On other transcripts: 3 prime UTR variant (5), non-coding transcript variant (1).
Genome position (GRCh38, 1-based): chr7:128,772,605, C>T on the plus strand (G>A on the coding strand, the complement: OPN1SW is on the minus strand). VCF-style: chr7-128772605-C-T. GRCh37 (hg19) VCF-style: chr7-128412659-C-T.
Other names: c.*3438C>T (NM_001130674.3, NM_001199671.2, NM_001199672.2 and 1 more transcripts); c.*3511C>T (NM_001199673.2); short protein forms D325N.
Identifiers: ClinVar variation 2959357 (VCV002959357.3), dbSNP rs545093905, ClinGen allele CA166209925.

ClinVar aggregate classification (germline): Uncertain significance (1 of 4 stars; one submission).

Allele frequency attached by ClinVar (database versions not stated): gnomAD 0.00001.
gnomAD v4.1: 5 of 1,614,050 alleles (0.00031%); highest among the groups gnomAD compares: South Asian, 0.0022%; no homozygotes.

Submission:

Labcorp Genetics (formerly Invitae), Labcorp
Classification: Uncertain significance. Last evaluated: 2025-12-30. Review status: criteria provided, single submitter. Criteria: Invitae Variant Classification Sherloc (09022015). Collection method: clinical testing. Allele origin: germline.
Comment: This sequence change replaces aspartic acid, which is acidic and polar, with asparagine, which is neutral and polar, at codon 328 of the OPN1SW protein (p.Asp328Asn). This variant is not present in population databases (gnomAD no frequency). This variant has not been reported in the literature in individuals affected with OPN1SW-related conditions. ClinVar contains an entry for this variant (Variation ID: 2959357). An algorithm developed to predict the effect of missense changes on protein structure and function (PolyPhen-2) suggests that this variant is likely to be tolerated. In summary, the available evidence is currently insufficient to determine the role of this variant in disease. Therefore, it has been classified as a Variant of Uncertain Significance.